The following is an entry in ClinVar:

ClinVar aggregate classification (germline): Pathogenic (1 of 4 stars; one submission).

Submission:

Labcorp Genetics (formerly Invitae), Labcorp
Classification: Pathogenic. Last evaluated: 2020-09-09. Review status: criteria provided, single submitter. Criteria: Invitae Variant Classification Sherloc (09022015). Collection method: clinical testing. Allele origin: germline.
Comment: This variant is an out-of-frame deletion of the genomic region encompassing exon 2 of the PRKN gene. This is expected to create a premature translational stop signal and result in an absent or disrupted protein product. Similar deletions of exon 2 have been observed to be homozygous or in combination with another PRKN variant in many individuals affected with early-onset Parkinson's disease (PMID: 17914726, 21993715, 23880019). Loss-of-function variants in PRKN are known to be pathogenic (PMID: 10072423, 20301651, 22956510). For these reasons, this variant has been classified as Pathogenic.

Literature cited by the submitters: PubMed 17914726; PubMed 21993715; PubMed 23880019; PubMed 10072423; PubMed 20301651; PubMed 22956510.

NC_000006.11:g.(?_162864332)_(162864519_?)del

Gene: PRKN (parkin RBR E3 ubiquitin protein ligase; minus strand). Cytogenetic location: 6q26.
Variant type: Deletion.
Identifiers: ClinVar variation 1071389 (VCV001071389.1).